The following is an entry in ClinVar:

NM_001283009.2(RTEL1):c.396-78A>G

Genes: RTEL1 (regulator of telomere elongation helicase 1; plus strand), RTEL1-TNFRSF6B (RTEL1-TNFRSF6B readthrough (NMD candidate); plus strand). Cytogenetic location: 20q13.33.
Variant type: single nucleotide variant.
Coding change: c.396-78A>G on transcript NM_001283009.2 (MANE Select); 78 bases into the intron before coding-DNA position 396, A replaced by G.
Molecular consequence: intron variant.
Genome position (GRCh38, 1-based): chr20:63,662,468, A>G. VCF-style: chr20-63662468-A-G. GRCh37 (hg19) VCF-style: chr20-62293821-A-G.
Other names: c.-274-78A>G (NM_001283010.1); c.396-6A>G (NM_032957.5); c.396-78A>G (NM_016434.4).
Identifiers: ClinVar variation 2506067 (VCV002506067.2), dbSNP rs1038422877, ClinGen allele CA317489301.

ClinVar aggregate classification (germline): Uncertain significance. Review status: criteria provided, multiple submitters, no conflicts (2 of 4 stars). 2 submissions from 2 submitters: Uncertain significance (2). Last evaluated 2025-03-31.

Allele frequency attached by ClinVar (database versions not stated): TOPMed below 0.00001; gnomAD 0.00001; gnomAD exomes 0.00001.
gnomAD v4.1: 20 of 1,592,008 alleles (0.0013%); highest among the groups gnomAD compares: Non-Finnish European, 0.0016%; no homozygotes.

Submissions (2):

GeneDx
Classification: Uncertain significance. Last evaluated: 2025-03-31. Review status: criteria provided, single submitter. Criteria: GeneDx Variant Classification Process June 2021. Collection method: clinical testing. Allele origin: germline. Affected: yes.
Comment: Not observed at significant frequency in large population cohorts (gnomAD); Has not been previously published as pathogenic or benign to our knowledge; In silico analysis is inconclusive as to whether the variant alters gene splicing. In the absence of RNA/functional studies, the actual effect of this sequence change is unknown

Women's Health and Genetics/Laboratory Corporation of America, LabCorp
Classification: Uncertain significance. Last evaluated: 2023-05-09. Review status: criteria provided, single submitter. Criteria: LabCorp Variant Classification Summary - May 2015. Collection method: clinical testing. Allele origin: germline.
Comment: Variant summary: RTEL1 c.396-6A>G alters a non-conserved nucleotide located close to a canonical splice site and therefore could affect mRNA splicing, leading to a significantly altered protein sequence. 4/4 computational tools predict no significant impact on normal splicing. However, these predictions have yet to be confirmed by functional studies. The variant allele was found at a frequency of 1.4e-05 in 213786 control chromosomes (gnomAD). The available data on variant occurrences in the general population are insufficient to allow any conclusion about variant significance. To our knowledge, no occurrence of c.396-6A>G in individuals affected with Dyskeratosis Congenita (Hoyeraal Hreidarsson Syndrome) and no experimental evidence demonstrating its impact on protein function have been reported. No clinical diagnostic laboratories have submitted clinical-significance assessments for this variant to ClinVar after 2014. Based on the evidence outlined above, the variant was classified as uncertain significance.